The following is an entry in ClinVar:

NM_022173.4(TIA1):c.123+94T>C

Gene: TIA1 (TIA1 cytotoxic granule associated RNA binding protein; minus strand). Cytogenetic location: 2p13.3.
Variant type: single nucleotide variant.
Coding change: c.123+94T>C on transcript NM_022173.4 (MANE Select); 94 bases into the intron after coding-DNA position 123, T replaced by C.
Molecular consequence: intron variant.
Genome position (GRCh38, 1-based): chr2:70,235,985, A>G on the plus strand (T>C on the coding strand, the complement: TIA1 is on the minus strand). VCF-style: chr2-70235985-A-G. GRCh37 (hg19) VCF-style: chr2-70463117-A-G.
Other names: c.12+94T>C (NM_001351513.1, NM_001351511.1); c.18+88T>C (NM_001351512.1); c.-72-5131T>C (NM_001351514.2, NM_001351523.2); c.-293+94T>C (NM_001351524.2); c.-516+94T>C (NM_001351517.2); c.123+94T>C (NM_001351510.2, NM_022037.4, NM_001351508.2 and 5 more transcripts); c.-331+94T>C (NM_001351525.2); c.-267+94T>C (NM_001351515.2); and 1 more.
Identifiers: ClinVar variation 1687693 (VCV001687693.2), dbSNP rs188193521, ClinGen allele CA49644019.

ClinVar aggregate classification (germline): Likely benign (1 of 4 stars; one submission).

Allele frequency attached by ClinVar (database versions not stated): gnomAD exomes 0.00035; 1000 Genomes Project 30x 0.00312; 1000 Genomes Project 0.00319; gnomAD 0.00413 and 0.00445; TOPMed 0.00477.
gnomAD v4.1: 831 of 685,458 alleles (0.12%); highest among the groups gnomAD compares: African/African-American, 1.4%; 3 homozygotes.

Submission:

GeneDx
Classification: Likely benign. Last evaluated: 2021-11-24. Review status: criteria provided, single submitter. Criteria: GeneDx Variant Classification Process June 2021. Collection method: clinical testing. Allele origin: germline. Affected: yes.
Comment: See Variant Classification Assertion Criteria.